The following is an entry in ClinVar:

NM_020631.6(PLEKHG5):c.2212A>G (p.Met738Val)

Gene: PLEKHG5 (pleckstrin homology and RhoGEF domain containing G5; minus strand). Cytogenetic location: 1p36.31.
Variant type: single nucleotide variant.
Coding change: c.2212A>G on transcript NM_020631.6 (MANE Select); coding-DNA position 2212, A replaced by G.
Protein change: p.Met738Val; replaces methionine 738 with valine.
Molecular consequence: missense variant.
Genome position (GRCh38, 1-based): chr1:6,469,079, T>C on the plus strand (A>G on the coding strand, the complement: PLEKHG5 is on the minus strand). VCF-style: chr1-6469079-T-C. GRCh37 (hg19) VCF-style: chr1-6529139-T-C.
Other names: c.2323A>G, p.Met775Val (NM_001042663.3, NM_001265592.2); c.2212A>G, p.Met738Val (NM_001042664.2, NM_001042665.2, NM_001265594.3 and 1 more transcripts); c.2419A>G, p.Met807Val (NM_001265593.2); short protein forms M738V, M807V, M775V.
Identifiers: ClinVar variation 468904 (VCV000468904.8), dbSNP rs778686532, ClinGen allele CA561218.

ClinVar aggregate classification (germline): Uncertain significance. Review status: criteria provided, multiple submitters, no conflicts (2 of 4 stars). 3 submissions from 3 submitters: Uncertain significance (3). Last evaluated 2025-06-19.

Conditions:
Inborn genetic diseases. Identifiers: MedGen C0950123, MeSH D030342.
Charcot-Marie-Tooth disease recessive intermediate C. Also called: CHARCOT-MARIE-TOOTH NEUROPATHY, RECESSIVE INTERMEDIATE C. Identifiers: Orphanet 369867, MedGen C3809309, MONDO:0014154, OMIM 615376.
Neuronopathy, distal hereditary motor, autosomal recessive 4. Also called: Autosomal recessive lower motor neuron disease with childhood onset; NEUROPATHY, DISTAL HEREDITARY MOTOR, AUTOSOMAL RECESSIVE 4. Identifiers: Orphanet 206580, MedGen C1970211, MONDO:0012608, OMIM 611067.

Allele frequency attached by ClinVar (database versions not stated): ExAC 0.00001; gnomAD exomes 0.00002 and 0.00003; gnomAD 0.00009 and 0.00010; TOPMed 0.00013.

Submissions (3):

Ambry Genetics
Classification: Uncertain significance for Inborn genetic diseases. Last evaluated: 2025-06-19. Review status: criteria provided, single submitter. Criteria: Ambry Variant Classification Scheme 2023. Collection method: clinical testing. Allele origin: germline.

GeneDx
Classification: Uncertain significance. Last evaluated: 2024-09-07. Review status: criteria provided, single submitter. Criteria: GeneDx Variant Classification Process June 2021. Collection method: clinical testing. Allele origin: germline. Affected: yes.
Comment: In silico analysis indicates that this missense variant does not alter protein structure/function; Has not been previously published as pathogenic or benign to our knowledge

Labcorp Genetics (formerly Invitae), Labcorp
Classification: Uncertain significance for Neuronopathy, distal hereditary motor, autosomal recessive 4; Charcot-Marie-Tooth disease recessive intermediate C. Last evaluated: 2022-08-16. Review status: criteria provided, single submitter. Criteria: Invitae Variant Classification Sherloc (09022015). Collection method: clinical testing. Allele origin: germline.
Comment: This sequence change replaces methionine, which is neutral and non-polar, with valine, which is neutral and non-polar, at codon 738 of the PLEKHG5 protein (p.Met738Val). This variant is present in population databases (rs778686532, gnomAD 0.05%). This variant has not been reported in the literature in individuals affected with PLEKHG5-related conditions. ClinVar contains an entry for this variant (Variation ID: 468904). Algorithms developed to predict the effect of missense changes on protein structure and function (SIFT, PolyPhen-2, Align-GVGD) all suggest that this variant is likely to be tolerated. Algorithms developed to predict the effect of sequence changes on RNA splicing suggest that this variant may create or strengthen a splice site. In summary, the available evidence is currently insufficient to determine the role of this variant in disease. Therefore, it has been classified as a Variant of Uncertain Significance.